The following is an entry in ClinVar:

NM_004370.6(COL12A1):c.8912C>A (p.Pro2971Gln)

Gene: COL12A1 (collagen type XII alpha 1 chain; minus strand). Cytogenetic location: 6q13.
Variant type: single nucleotide variant.
Coding change: c.8912C>A on transcript NM_004370.6 (MANE Select); coding-DNA position 8912, C replaced by A.
Protein change: p.Pro2971Gln; replaces proline 2971 with glutamine.
Molecular consequence: missense variant.
Genome position (GRCh38, 1-based): chr6:75,090,139, G>T on the plus strand (C>A on the coding strand, the complement: COL12A1 is on the minus strand). VCF-style: chr6-75090139-G-T. GRCh37 (hg19) VCF-style: chr6-75799855-G-T.
Other names: c.5420C>A, p.Pro1807Gln (NM_080645.3); short protein forms P1807Q, P2971Q.
Identifiers: ClinVar variation 1027213 (VCV001027213.9), dbSNP rs1767686939, ClinGen allele CA364734552.
Genomic context (GRCh38, chr6:75,090,139, plus strand): 5'-TTATCCCAATACAGAAGCCAGAAATGCCTACCTCGTTCCCCAGGGGGTCCCTGCATCCCT[G>T]GTGTGCCCGGGAAGCCTGGCCGCCCCCCAGGCCCAGGTTCTCCTCTGGCTCCTGCGCTAC-3'
Protein context (NP_004361.3, residues 2961-2981): PGGRPGFPGT[Pro2971Gln]GMQGPPGERG

ClinVar aggregate classification (germline): Uncertain significance (1 of 4 stars; one submission).

Conditions:
Ullrich congenital muscular dystrophy 2 (UCMD2). Identifiers: Orphanet 75840, MedGen C4225314, MONDO:0014654, OMIM 616470.
Bethlem myopathy 2 (BTHLM2). Identifiers: Orphanet 536516, Orphanet 610, MedGen C4225313, MONDO:0034022, OMIM 616471.

Allele frequency attached by ClinVar (database versions not stated): TOPMed below 0.00001.

Submission:

Labcorp Genetics (formerly Invitae), Labcorp
Classification: Uncertain significance for Bethlem myopathy 2; Ullrich congenital muscular dystrophy 2. Last evaluated: 2020-03-12. Review status: criteria provided, single submitter. Criteria: Invitae Variant Classification Sherloc (09022015). Collection method: clinical testing. Allele origin: germline.
Comment: In summary, the available evidence is currently insufficient to determine the role of this variant in disease. Therefore, it has been classified as a Variant of Uncertain Significance. Algorithms developed to predict the effect of missense changes on protein structure and function are either unavailable or do not agree on the potential impact of this missense change (SIFT: "Deleterious"; PolyPhen-2: "Probably Damaging"; Align-GVGD: "Class C0"). This variant has not been reported in the literature in individuals with COL12A1-related conditions. This variant is not present in population databases (ExAC no frequency). This sequence change replaces proline with glutamine at codon 2971 of the COL12A1 protein (p.Pro2971Gln). The proline residue is highly conserved and there is a moderate physicochemical difference between proline and glutamine.